The following is an entry in ClinVar:

NM_002485.5(NBN):c.2139T>C (p.Ala713=)

Gene: NBN (nibrin; minus strand). Cytogenetic location: 8q21.3.
Variant type: single nucleotide variant.
Coding change: c.2139T>C on transcript NM_002485.5 (MANE Select); coding-DNA position 2139, T replaced by C.
Protein change: p.Ala713=; no amino-acid change (alanine 713 retained).
Molecular consequence: synonymous variant.
Genome position (GRCh38, 1-based): chr8:89,943,298, A>G on the plus strand (T>C on the coding strand, the complement: NBN is on the minus strand). VCF-style: chr8-89943298-A-G. GRCh37 (hg19) VCF-style: chr8-90955526-A-G.
Other names: c.1893T>C, p.Ala631= (NM_001024688.3).
Identifiers: ClinVar variation 184232 (VCV000184232.62), dbSNP rs755274971, ClinGen allele CA188300.

ClinVar aggregate classification (germline): Likely benign. Review status: criteria provided, multiple submitters, no conflicts (2 of 4 stars). 5 submissions from 5 submitters: Likely benign (5). Last evaluated 2025-11-04.

Conditions:
Hereditary cancer-predisposing syndrome. Also called: Tumor predisposition; Hereditary Cancer Syndrome; Hereditary neoplastic syndrome; Neoplastic Syndromes, Hereditary. Identifiers: Orphanet 140162, MedGen C0027672, MeSH D009386, MONDO:0015356.
Microcephaly, normal intelligence and immunodeficiency (NBS). Also called: IMMUNODEFICIENCY, MICROCEPHALY, AND CHROMOSOMAL INSTABILITY; SEEMANOVA SYNDROME II; Nijmegen breakage syndrome; Microcephaly with normal intelligence immunodeficiency and lymphoreticular malignancies; Nonsyndromal microcephaly autosomal recessive with normal intelligence; Seemanova syndrome 2. Identifiers: Orphanet 647, MedGen C0398791, MONDO:0009623, OMIM 251260.

Allele frequency attached by ClinVar (database versions not stated): gnomAD 0.00001; ExAC 0.00002; gnomAD exomes 0.00002 and 0.00003; TOPMed below 0.00001; 1000 Genomes Project 30x 0.00016.
gnomAD v4.1: 49 of 1,613,634 alleles (0.003%); highest among the groups gnomAD compares: Non-Finnish European, 0.0042%; no homozygotes.

Submissions (5):

Quest Diagnostics Nichols Institute San Juan Capistrano
Classification: Likely benign. Last evaluated: 2025-11-04. Review status: criteria provided, single submitter. Criteria: Quest Diagnostics criteria. Collection method: clinical testing. Allele origin: unknown.

Labcorp Genetics (formerly Invitae), Labcorp
Classification: Likely benign for Microcephaly, normal intelligence and immunodeficiency. Last evaluated: 2025-09-29. Review status: criteria provided, single submitter. Criteria: Invitae Variant Classification Sherloc (09022015). Collection method: clinical testing. Allele origin: germline.

Women's Health and Genetics/Laboratory Corporation of America, LabCorp
Classification: Likely benign. Last evaluated: 2024-02-02. Review status: criteria provided, single submitter. Criteria: LabCorp Variant Classification Summary - May 2015. Collection method: clinical testing. Allele origin: germline.

GeneDx
Classification: Likely benign. Last evaluated: 2019-08-26. Review status: criteria provided, single submitter. Criteria: GeneDx Variant Classification Process June 2021. Collection method: clinical testing. Allele origin: germline. Affected: yes.
Comment: This variant is associated with the following publications: (PMID: 31401766)

Ambry Genetics
Classification: Likely benign for Hereditary cancer-predisposing syndrome. Last evaluated: 2015-07-02. Review status: criteria provided, single submitter. Criteria: Ambry Variant Classification Scheme 2023. Collection method: clinical testing. Allele origin: germline.